The following is an entry in ClinVar:

ClinVar aggregate classification (germline): Uncertain significance (1 of 4 stars; one submission).

Conditions:
Nemaline myopathy 2 (NEM2). Also called: Nemaline myopathy 2, autosomal recessive. Identifiers: MedGen C1850569, MONDO:0009725, OMIM 256030.

Allele frequency attached by ClinVar (database versions not stated): gnomAD exomes below 0.00001.
gnomAD v4.1: 1 of 1,613,232 alleles (0.000062%); highest among the groups gnomAD compares: Non-Finnish European, 0.000085%; no homozygotes.

Submission:

Labcorp Genetics (formerly Invitae), Labcorp
Classification: Uncertain significance for Nemaline myopathy 2. Last evaluated: 2024-09-05. Review status: criteria provided, single submitter. Criteria: Invitae Variant Classification Sherloc (09022015). Collection method: clinical testing. Allele origin: germline.
Comment: This sequence change replaces aspartic acid, which is acidic and polar, with tyrosine, which is neutral and polar, at codon 3747 of the NEB protein (p.Asp3747Tyr). This variant is present in population databases (no rsID available, gnomAD 0.0009%). This variant has not been reported in the literature in individuals affected with NEB-related conditions. ClinVar contains an entry for this variant (Variation ID: 2121308). Experimental studies and prediction algorithms are not available or were not evaluated, and the functional significance of this variant is currently unknown. In summary, the available evidence is currently insufficient to determine the role of this variant in disease. Therefore, it has been classified as a Variant of Uncertain Significance.

NM_001164508.2(NEB):c.11239G>T (p.Asp3747Tyr)

Gene: NEB (nebulin; minus strand). Cytogenetic location: 2q23.3.
Variant type: single nucleotide variant.
Coding change: c.11239G>T on transcript NM_001164508.2 (MANE Select); coding-DNA position 11239, G replaced by T.
Protein change: p.Asp3747Tyr; replaces aspartic acid 3747 with tyrosine.
Molecular consequence: missense variant.
Genome position (GRCh38, 1-based): chr2:151,616,052, C>A on the plus strand (G>T on the coding strand, the complement: NEB is on the minus strand). VCF-style: chr2-151616052-C-A. GRCh37 (hg19) VCF-style: chr2-152472566-C-A.
Other names: c.11239G>T, p.Asp3747Tyr (NM_001164507.2, NM_001271208.2); c.10510G>T, p.Asp3504Tyr (NM_004543.5); short protein forms D3747Y, D3504Y.
Identifiers: ClinVar variation 2121308 (VCV002121308.4), dbSNP rs1480023469, ClinGen allele CA348783894.